The following is an entry in ClinVar:

NM_001035.3(RYR2):c.9701T>C (p.Val3234Ala)

Gene: RYR2 (ryanodine receptor 2; plus strand). Cytogenetic location: 1q43.
Variant type: single nucleotide variant.
Coding change: c.9701T>C on transcript NM_001035.3 (MANE Select); coding-DNA position 9701, T replaced by C.
Protein change: p.Val3234Ala; replaces valine 3234 with alanine.
Molecular consequence: missense variant.
Genome position (GRCh38, 1-based): chr1:237,707,069, T>C. VCF-style: chr1-237707069-T-C. GRCh37 (hg19) VCF-style: chr1-237870369-T-C.
Other names: short protein forms V3234A.
Identifiers: ClinVar variation 2817636 (VCV002817636.3), dbSNP rs2547402115, ClinGen allele CA345408599.

ClinVar aggregate classification (germline): Uncertain significance (1 of 4 stars; one submission).

Conditions:
Catecholaminergic polymorphic ventricular tachycardia 1. Also called: VENTRICULAR TACHYCARDIA, STRESS-INDUCED POLYMORPHIC 1; VENTRICULAR TACHYCARDIA, CATECHOLAMINERGIC POLYMORPHIC, 1, WITH OR WITHOUT ATRIAL DYSFUNCTION AND/OR DILATED CARDIOMYOPATHY; RYR2-Related Catecholaminergic Polymorphic Ventricular Tachycardia. Identifiers: Orphanet 3286, MedGen C1631597, MONDO:0011484, OMIM 604772.

Submission:

Labcorp Genetics (formerly Invitae), Labcorp
Classification: Uncertain significance for Catecholaminergic polymorphic ventricular tachycardia 1. Last evaluated: 2023-10-10. Review status: criteria provided, single submitter. Criteria: Invitae Variant Classification Sherloc (09022015). Collection method: clinical testing. Allele origin: germline.
Comment: This sequence change replaces valine, which is neutral and non-polar, with alanine, which is neutral and non-polar, at codon 3234 of the RYR2 protein (p.Val3234Ala). This variant is not present in population databases (gnomAD no frequency). This variant has not been reported in the literature in individuals affected with RYR2-related conditions. Advanced modeling of protein sequence and biophysical properties (such as structural, functional, and spatial information, amino acid conservation, physicochemical variation, residue mobility, and thermodynamic stability) performed at Invitae indicates that this missense variant is not expected to disrupt RYR2 protein function. In summary, the available evidence is currently insufficient to determine the role of this variant in disease. Therefore, it has been classified as a Variant of Uncertain Significance.